The following is an entry in ClinVar:

ClinVar aggregate classification (germline): Likely pathogenic (1 of 4 stars; one submission).

Submission:

GeneDx
Classification: Likely pathogenic. Last evaluated: 2025-03-12. Review status: criteria provided, single submitter. Criteria: GeneDx Variant Classification Process June 2021. Collection method: clinical testing. Allele origin: germline. Affected: yes.
Comment: Not observed at significant frequency in large population cohorts (gnomAD); In silico analysis supports that this missense variant has a deleterious effect on protein structure/function; Has not been previously published as pathogenic or benign to our knowledge

NM_000414.4(HSD17B4):c.1646C>A (p.Ala549Glu)

Gene: HSD17B4 (hydroxysteroid 17-beta dehydrogenase 4; plus strand). Cytogenetic location: 5q23.1.
Variant type: single nucleotide variant.
Coding change: c.1646C>A on transcript NM_000414.4 (MANE Select); coding-DNA position 1646, C replaced by A.
Protein change: p.Ala549Glu; replaces alanine 549 with glutamic acid.
Molecular consequence: missense variant. On other transcripts: non-coding transcript variant (2).
Genome position (GRCh38, 1-based): chr5:119,525,989, C>A. VCF-style: chr5-119525989-C-A. GRCh37 (hg19) VCF-style: chr5-118861684-C-A.
Other names: c.1721C>A, p.Ala574Glu (NM_001199291.3); c.1592C>A, p.Ala531Glu (NM_001199292.2); c.1574C>A, p.Ala525Glu (NM_001292027.2, NM_001374498.1); c.1226C>A, p.Ala409Glu (NM_001292028.2); c.1637C>A, p.Ala546Glu (NM_001374497.1); c.1319C>A, p.Ala440Glu (NM_001374499.1); c.1205C>A, p.Ala402Glu (NM_001374500.1); c.1235C>A, p.Ala412Glu (NM_001374501.1, NM_001374502.1, NM_001374503.1); short protein forms A402E, A409E, A412E, A440E, A525E, A531E, A546E, A549E.
Identifiers: ClinVar variation 4083435 (VCV004083435.1).